The following is an entry in ClinVar:

NM_014244.5(ADAMTS2):c.836T>C (p.Val279Ala)

Gene: ADAMTS2 (ADAM metallopeptidase with thrombospondin type 1 motif 2; minus strand). Cytogenetic location: 5q35.3.
Variant type: single nucleotide variant.
Coding change: c.836T>C on transcript NM_014244.5 (MANE Select); coding-DNA position 836, T replaced by C.
Protein change: p.Val279Ala; replaces valine 279 with alanine.
Molecular consequence: missense variant.
Genome position (GRCh38, 1-based): chr5:179,207,568, A>G on the plus strand (T>C on the coding strand, the complement: ADAMTS2 is on the minus strand). VCF-style: chr5-179207568-A-G. GRCh37 (hg19) VCF-style: chr5-178634569-A-G.
Other names: c.836T>C, p.Val279Ala (NM_021599.4); short protein forms V279A.
Identifiers: ClinVar variation 1901409 (VCV001901409.5), dbSNP rs1764731023, ClinGen allele CA362426952.

ClinVar aggregate classification (germline): Uncertain significance (1 of 4 stars; one submission).

Conditions:
Ehlers-Danlos syndrome, dermatosparaxis type. Also called: EDS VIIC; Dermatosparaxis; Ehlers-Danlos syndrome, type VII, autosomal recessive. Identifiers: Orphanet 1901, MedGen C2700425, MONDO:0009161, OMIM 225410.

gnomAD v4.1: 2 of 1,609,384 alleles (0.00012%); highest among the groups gnomAD compares: Non-Finnish European, 0.00017%; no homozygotes.

Submission:

Labcorp Genetics (formerly Invitae), Labcorp
Classification: Uncertain significance for Ehlers-Danlos syndrome, dermatosparaxis type. Last evaluated: 2023-05-22. Review status: criteria provided, single submitter. Criteria: Invitae Variant Classification Sherloc (09022015). Collection method: clinical testing. Allele origin: germline.
Comment: This variant has not been reported in the literature in individuals affected with ADAMTS2-related conditions. This variant is not present in population databases (gnomAD no frequency). This sequence change replaces valine, which is neutral and non-polar, with alanine, which is neutral and non-polar, at codon 279 of the ADAMTS2 protein (p.Val279Ala). ClinVar contains an entry for this variant (Variation ID: 1901409). In summary, the available evidence is currently insufficient to determine the role of this variant in disease. Therefore, it has been classified as a Variant of Uncertain Significance. An algorithm developed to predict the effect of missense changes on protein structure and function (PolyPhen-2) suggests that this variant is likely to be disruptive.